The following is an entry in ClinVar:

ClinVar aggregate classification (germline): Uncertain significance (1 of 4 stars; one submission).

Submission:

Labcorp Genetics (formerly Invitae), Labcorp
Classification: Uncertain significance. Last evaluated: 2022-01-15. Review status: criteria provided, single submitter. Criteria: Invitae Variant Classification Sherloc (09022015). Collection method: clinical testing. Allele origin: germline.
Comment: In summary, the available evidence is currently insufficient to determine the role of this variant in disease. Therefore, it has been classified as a Variant of Uncertain Significance. Variants that disrupt the consensus splice site are a relatively common cause of aberrant splicing (PMID: 17576681, 9536098). Experimental studies and prediction algorithms are not available or were not evaluated, and the effect of this variant on mRNA splicing is currently unknown. This variant has not been reported in the literature in individuals affected with SEC24D-related conditions. This variant is not present in population databases (gnomAD no frequency). This sequence change falls in intron 10 of the SEC24D gene. It does not directly change the encoded amino acid sequence of the SEC24D protein. It affects a nucleotide within the consensus splice site.

Literature cited by the submitters: PubMed 17576681; PubMed 9536098.

NM_014822.4(SEC24D):c.1296+4del

Gene: SEC24D (SEC24 homolog D, COPII component; minus strand). Cytogenetic location: 4q26.
Variant type: Deletion.
Coding change: c.1296+4del on transcript NM_014822.4 (MANE Select); 4 bases into the intron after coding-DNA position 1296, one base deleted (A; older notation c.1296+4delA).
Molecular consequence: intron variant.
Genome position (GRCh38, 1-based): chr4:118,764,798, T deleted on the plus strand (A on the coding strand, the reverse complement: SEC24D is on the minus strand); the first of 2 consecutive T bases (chr4:118,764,798-118,764,799); deleting either gives the same sequence. VCF-style (leftmost placement, unchanged base first): chr4-118764797-CT-C. GRCh37 (hg19) VCF-style: chr4-119685952-CT-C.
Other names: c.1299+4del (NM_001318066.2).
Identifiers: ClinVar variation 2074447 (VCV002074447.4), dbSNP rs2530128370, ClinGen allele CA2580071401.